The following is an entry in ClinVar:

ClinVar aggregate classification (germline): Uncertain significance (1 of 4 stars; one submission).

Conditions:
Bardet-Biedl syndrome (BBS). Identifiers: Orphanet 110, MedGen C0752166, MONDO:0015229.

Submission:

Labcorp Genetics (formerly Invitae), Labcorp
Classification: Uncertain significance for Bardet-Biedl syndrome. Last evaluated: 2021-08-31. Review status: criteria provided, single submitter. Criteria: Invitae Variant Classification Sherloc (09022015). Collection method: clinical testing. Allele origin: germline.
Comment: This sequence change replaces lysine with glutamic acid at codon 50 of the BBS7 protein (p.Lys50Glu). The lysine residue is highly conserved and there is a small physicochemical difference between lysine and glutamic acid. This variant is not present in population databases (ExAC no frequency). This variant has not been reported in the literature in individuals affected with BBS7-related conditions. Algorithms developed to predict the effect of missense changes on protein structure and function (SIFT, PolyPhen-2, Align-GVGD) all suggest that this variant is likely to be disruptive. In summary, the available evidence is currently insufficient to determine the role of this variant in disease. Therefore, it has been classified as a Variant of Uncertain Significance.

NM_176824.3(BBS7):c.148A>G (p.Lys50Glu)

Gene: BBS7 (Bardet-Biedl syndrome 7; minus strand). Cytogenetic location: 4q27.
Variant type: single nucleotide variant.
Coding change: c.148A>G on transcript NM_176824.3 (MANE Select); coding-DNA position 148, A replaced by G.
Protein change: p.Lys50Glu; replaces lysine 50 with glutamic acid.
Molecular consequence: missense variant.
Genome position (GRCh38, 1-based): chr4:121,863,234, T>C on the plus strand (A>G on the coding strand, the complement: BBS7 is on the minus strand). VCF-style: chr4-121863234-T-C. GRCh37 (hg19) VCF-style: chr4-122784389-T-C.
Other names: c.148A>G, p.Lys50Glu (NM_018190.4); short protein forms K50E.
Identifiers: ClinVar variation 965131 (VCV000965131.4), dbSNP rs1727082207, ClinGen allele CA358045098.